The following is an entry in ClinVar:

NM_002485.5(NBN):c.1915-22A>G

Gene: NBN (nibrin; minus strand). Cytogenetic location: 8q21.3.
Variant type: single nucleotide variant.
Coding change: c.1915-22A>G on transcript NM_002485.5 (MANE Select); 22 bases into the intron before coding-DNA position 1915, A replaced by G.
Molecular consequence: intron variant.
Genome position (GRCh38, 1-based): chr8:89,946,317, T>C on the plus strand (A>G on the coding strand, the complement: NBN is on the minus strand). VCF-style: chr8-89946317-T-C. GRCh37 (hg19) VCF-style: chr8-90958545-T-C.
Other names: NC_000008.10:g.90958545T>C; c.1669-22A>G (NM_001024688.3, NM_001440379.1, NM_001440380.1).
Identifiers: ClinVar variation 4294401 (VCV004294401.1), dbSNP rs200341262.

ClinVar aggregate classification (germline): Likely benign (1 of 4 stars; one submission).

Conditions:
Hereditary cancer-predisposing syndrome. Also called: Neoplastic Syndromes, Hereditary; Tumor predisposition; Hereditary Cancer Syndrome; Hereditary neoplastic syndrome. Identifiers: Orphanet 140162, MedGen C0027672, MeSH D009386, MONDO:0015356.

gnomAD v4.1: 298 of 1,556,638 alleles (0.019%); highest among the groups gnomAD compares: East Asian, 0.63%; 1 homozygote.

Submissions (4):

Institute for Biomarker Research, Medical Diagnostic Laboratories, L.L.C.
Classification: Likely benign for Hereditary cancer-predisposing syndrome. Last evaluated: 2025-08-18. Review status: criteria provided, single submitter. Criteria: ACMG Guidelines, 2015. Collection method: clinical testing. Allele origin: germline.
Comment: The intron variant NM_002485.5(NBN):c.1915-22A>G has not been reported previously as a pathogenic variant nor as a benign variant, to our knowledge. The c.1915-22A>G variant is observed in 68/18,378 (0.37%) alleles from individuals of gnomAD East Asian background in gnomAD, which is greater than expected for the disorder. The c.1915-22A>G variant is not predicted to disrupt the existing acceptor splice site 20bp upstream by 3 of 4 splice site algorithms. For these reasons, this variant has been classified as Likely Benign.

Dr. Peter K. Rogan Lab, Western University
No classification provided (evidence only). Condition: Gastric cancer. Review status: no classification provided. Collection method: in vitro. Allele origin: not applicable. Functional consequence: retained intron. Not counted in ClinVar's aggregate classification.

Dr. Peter K. Rogan Lab, Western University
No classification provided (evidence only). Condition: Malignant tumor of esophagus. Review status: no classification provided. Collection method: in vitro. Allele origin: not applicable. Functional consequence: retained intron. Not counted in ClinVar's aggregate classification.

Dr. Peter K. Rogan Lab, Western University
No classification provided (evidence only). Condition: Hepatocellular carcinoma. Review status: no classification provided. Collection method: in vitro. Allele origin: not applicable. Functional consequence: retained intron. Not counted in ClinVar's aggregate classification.